The following is an entry in ClinVar:

ClinVar aggregate classification (germline): Uncertain significance (1 of 4 stars; one submission).

Submission:

GeneDx
Classification: Uncertain significance. Last evaluated: 2020-11-05. Review status: criteria provided, single submitter. Criteria: GeneDx Variant Classification Process June 2021. Collection method: clinical testing. Allele origin: germline. Affected: yes.
Comment: Not observed in large population cohorts (Lek et al., 2016); In silico analysis supports that this missense variant does not alter protein structure/function; Has not been previously published as pathogenic or benign to our knowledge

NM_001170629.2(CHD8):c.1542G>C (p.Glu514Asp)

Gene: CHD8 (chromodomain helicase DNA binding protein 8; minus strand). Cytogenetic location: 14q11.2.
Variant type: single nucleotide variant.
Coding change: c.1542G>C on transcript NM_001170629.2 (MANE Select); coding-DNA position 1542, G replaced by C.
Protein change: p.Glu514Asp; replaces glutamic acid 514 with aspartic acid.
Molecular consequence: missense variant.
Genome position (GRCh38, 1-based): chr14:21,427,928, C>G on the plus strand (G>C on the coding strand, the complement: CHD8 is on the minus strand). VCF-style: chr14-21427928-C-G. GRCh37 (hg19) VCF-style: chr14-21896087-C-G.
Other names: c.705G>C, p.Glu235Asp (NM_020920.4); short protein forms E235D, E514D.
Identifiers: ClinVar variation 1313448 (VCV001313448.2), dbSNP rs1423867231, ClinGen allele CA388882686.